The following is an entry in ClinVar:

ClinVar aggregate classification (germline): Uncertain significance (1 of 4 stars; one submission).

Conditions:
Bardet-Biedl syndrome (BBS). Identifiers: Orphanet 110, MedGen C0752166, MONDO:0015229.

Submission:

Labcorp Genetics (formerly Invitae), Labcorp
Classification: Uncertain significance for Bardet-Biedl syndrome. Last evaluated: 2022-11-01. Review status: criteria provided, single submitter. Criteria: Invitae Variant Classification Sherloc (09022015). Collection method: clinical testing. Allele origin: germline.
Comment: This variant, c.2357_2359del, results in the deletion of 1 amino acid(s) of the BBS9 protein (p.Lys786del), but otherwise preserves the integrity of the reading frame. This variant is not present in population databases (gnomAD no frequency). This variant has not been reported in the literature in individuals affected with BBS9-related conditions. Experimental studies and prediction algorithms are not available or were not evaluated, and the functional significance of this variant is currently unknown. In summary, the available evidence is currently insufficient to determine the role of this variant in disease. Therefore, it has been classified as a Variant of Uncertain Significance.

NM_198428.3(BBS9):c.2357_2359del (p.Lys786del)

Gene: BBS9 (Bardet-Biedl syndrome 9; plus strand). Cytogenetic location: 7p14.3.
Variant type: Deletion.
Coding change: c.2357_2359del on transcript NM_198428.3 (MANE Select); coding-DNA positions 2357 to 2359, 3 bases deleted (AGA; older notation c.2357_2359delAGA).
Protein change: p.Lys786del; deletes lysine 786.
Molecular consequence: inframe deletion. On other transcripts: inframe indel (2), non-coding transcript variant (3).
Genome position (GRCh38, 1-based): chr7:33,534,012-33,534,014, AGA deleted; deleting any 3 consecutive bases within chr7:33,534,010-33,534,014 gives the same sequence; the c. name uses the placement nearest the transcript's 3' end. VCF-style (leftmost placement, unchanged base first): chr7-33534009-CGAA-C. GRCh37 (hg19) VCF-style: chr7-33573621-CGAA-C.
Other names: c.2252_2254del, p.Lys751del (NM_001033604.2); c.2342_2344del, p.Lys781del (NM_001033605.2); c.2357_2359del, p.Lys786del (NM_001348036.1, NM_001348041.4, NM_001348043.3 and 1 more transcripts); c.1808_1810del, p.Lys603del (NM_001348037.3); c.2084_2086del, p.Lys695del (NM_001348038.3); c.1979_1981del, p.Lys660del (NM_001348039.3); c.2237_2239del, p.Lys746del (NM_001348040.3, NM_014451.4); c.2222_2224del, p.Lys741del (NM_001348042.3); and 3 more; short protein forms K695del, K629del, K660del, K781del, K603del, K741del, K751del, K786del.
Identifiers: ClinVar variation 2008177 (VCV002008177.4), dbSNP rs2537669864, ClinGen allele CA2580077223.